The following is an entry in ClinVar:

NM_000404.4(GLB1):c.1706C>T (p.Thr569Ile)

Gene: GLB1 (galactosidase beta 1; minus strand). Cytogenetic location: 3p22.3.
Variant type: single nucleotide variant.
Coding change: c.1706C>T on transcript NM_000404.4 (MANE Select); coding-DNA position 1706, C replaced by T.
Protein change: p.Thr569Ile; replaces threonine 569 with isoleucine.
Molecular consequence: missense variant.
Genome position (GRCh38, 1-based): chr3:33,014,084, G>A on the plus strand (C>T on the coding strand, the complement: GLB1 is on the minus strand). VCF-style: chr3-33014084-G-A. GRCh37 (hg19) VCF-style: chr3-33055576-G-A.
Other names: c.1616C>T, p.Thr539Ile (NM_001079811.3); c.1313C>T, p.Thr438Ile (NM_001135602.3); c.1850C>T, p.Thr617Ile (NM_001317040.2); c.1706C>T, p.Thr569Ile (NM_001393580.1); short protein forms T438I, T539I, T569I, T617I.
Identifiers: ClinVar variation 4847486 (VCV004847486.2).
Genomic context (GRCh38, chr3:33,014,084, plus strand): 5'-TGAATTCAAACCCTTCCCATGAAGACACGTACCTTGGTCCATCCAGGAAACTGGATAAAG[G>A]TGTCCTGGGGCAAGTCTGGGATCCCACTGGGAATGGAGAAGTTCCCCATATAAAAGGCCG-3'
Protein context (NP_000395.3, residues 559-579): PSGIPDLPQD[Thr569Ile]FIQFPGWTKG

ClinVar aggregate classification (germline): Uncertain significance. Review status: criteria provided, multiple submitters, no conflicts (2 of 4 stars). 2 submissions from 2 submitters: Uncertain significance (2). Last evaluated 2026-03-04.

Conditions:
GLB1-related disorder. Also called: GLB1-related disorders. Identifiers: MedGen CN377807.

Submissions (2):

Women's Health and Genetics/Laboratory Corporation of America, LabCorp
Classification: Uncertain significance. Last evaluated: 2026-03-04. Review status: criteria provided, single submitter. Criteria: LabCorp Variant Classification Summary - May 2015. Collection method: clinical testing. Allele origin: germline.
Comment: Variant summary: GLB1 c.1706C>T (p.Thr569Ile) results in a non-conservative amino acid change in the encoded protein sequence. Algorithms developed to predict the effect of missense changes on protein structure and function all suggest that this variant is likely to be disruptive. The variant was absent in 247964 control chromosomes. The available data on variant occurrences in the general population are insufficient to allow any conclusion about variant significance. c.1706C>T has been observed in individuals affected with Mucopolysaccharidosis Type IVB (Morquio Syndrome B) (example: Almeida_2022). These reports do not provide unequivocal conclusions about association of the variant with Mucopolysaccharidosis Type IVB (Morquio Syndrome B). To our knowledge, no experimental evidence demonstrating an impact on protein function has been reported. The following publication has been ascertained in the context of this evaluation (PMID: 35614200). No submitters have cited clinical-significance assessments for this variant to ClinVar. Based on the evidence outlined above, the variant was classified as uncertain significance.

Myriad Genetics, Inc.
Classification: Uncertain significance for GLB1-related disorder. Last evaluated: 2025-09-08. Review status: criteria provided, single submitter. Criteria: Myriad Autosomal Dominant, Autosomal Recessive and X-Linked Classification Criteria (2023). Collection method: clinical testing. Allele origin: unknown.
Comment: NM_000404.2(GLB1):c.1706C>T(T569I) is a missense variant classified as a variant of uncertain significance in the context of GLB1-related disorders. T569I has been observed in cases with relevant disease (PMID: 35614200). Relevant functional assessments of this variant are not available in the literature. T569I has not been observed in referenced population frequency databases. In summary, there is insufficient evidence to classify NM_000404.2(GLB1):c.1706C>T(T569I) as pathogenic or benign. Please note: this variant was assessed in the context of healthy population screening.

Literature cited by the submitters: PubMed 35614200 (cited by Women's Health and Genetics/Laboratory Corporation of America, LabCorp and Myriad Genetics, Inc.).